The following is an entry in ClinVar:

NM_000208.4(INSR):c.2232-7T>G

Gene: INSR (insulin receptor; minus strand). Cytogenetic location: 19p13.2.
Variant type: single nucleotide variant.
Coding change: c.2232-7T>G on transcript NM_000208.4 (MANE Select); 7 bases into the intron before coding-DNA position 2232, T replaced by G.
Molecular consequence: intron variant.
Genome position (GRCh38, 1-based): chr19:7,150,539, A>C on the plus strand (T>G on the coding strand, the complement: INSR is on the minus strand). VCF-style: chr19-7150539-A-C. GRCh37 (hg19) VCF-style: chr19-7150550-A-C.
Other names: c.2231+2187T>G (NM_001079817.3).
Identifiers: ClinVar variation 4876241 (VCV004876241.1).

ClinVar aggregate classification (germline): Uncertain significance (1 of 4 stars; one submission).

Conditions:
Lipodystrophy - childhood onset.

gnomAD v4.1: 59 of 1,614,092 alleles (0.0037%); highest among the groups gnomAD compares: South Asian, 0.065%; no homozygotes.

Submission:

Cambridge Genomics Laboratory, East Genomic Laboratory Hub, NHS Genomic Medicine Service
Classification: Uncertain significance for Lipodystrophy - childhood onset. Last evaluated: 2026-07-03. Review status: criteria provided, single submitter. Criteria: ACGS Best Practice Guidelines for Variant Classification in Rare Disease 2020. Collection method: clinical testing. Allele origin: germline. Affected: yes.
Comment: PM2_Supporting,PP3